The following is an entry in ClinVar:

ClinVar aggregate classification (germline): Uncertain significance (1 of 4 stars; one submission).

Allele frequency attached by ClinVar (database versions not stated): gnomAD exomes below 0.00001.
gnomAD v4.1: 4 of 1,613,946 alleles (0.00025%); highest among the groups gnomAD compares: Non-Finnish European, 0.00034%; no homozygotes.

Submission:

GeneDx
Classification: Uncertain significance. Last evaluated: 2016-10-03. Review status: criteria provided, single submitter. Criteria: GeneDx Variant Classification (06012015). Collection method: clinical testing. Allele origin: germline. Affected: yes.
Comment: The K399Q variant in the CHD8 gene has not been reported previously as a pathogenic variant, nor as a benign variant, to our knowledge. The K399Q variant was not observed in approximately 6200 individuals of European and African American ancestry in the NHLBI Exome Sequencing Project, indicating it is not a common benign variant in these populations. The K399Q variant is a semi-conservative amino acid substitution, which may impact secondary protein structure as these residues differ in some properties. This substitution occurs at a position that is conserved across species. In silico analysis is inconsistent in its predictions as to whether or not the variant is damaging to the protein structure/function. We interpret K399Q as a variant of uncertain significance

NM_001170629.2(CHD8):c.1195A>C (p.Lys399Gln)

Gene: CHD8 (chromodomain helicase DNA binding protein 8; minus strand). Cytogenetic location: 14q11.2.
Variant type: single nucleotide variant.
Coding change: c.1195A>C on transcript NM_001170629.2 (MANE Select); coding-DNA position 1195, A replaced by C.
Protein change: p.Lys399Gln; replaces lysine 399 with glutamine.
Molecular consequence: missense variant.
Genome position (GRCh38, 1-based): chr14:21,428,984, T>G on the plus strand (A>C on the coding strand, the complement: CHD8 is on the minus strand). VCF-style: chr14-21428984-T-G. GRCh37 (hg19) VCF-style: chr14-21897143-T-G.
Other names: c.358A>C, p.Lys120Gln (NM_020920.4); short protein forms K120Q, K399Q.
Identifiers: ClinVar variation 422274 (VCV000422274.2), dbSNP rs1064795674, ClinGen allele CA16619840.